The following is an entry in ClinVar:

NM_004281.4(BAG3):c.855_859dup (p.Leu287fs)

Gene: BAG3 (BAG cochaperone 3; plus strand). Cytogenetic location: 10q26.11.
Variant type: Duplication.
Coding change: c.855_859dup on transcript NM_004281.4 (MANE Select); coding-DNA positions 855 to 859, 5 bases duplicated (GCCAC; older notation c.855_859dupGCCAC).
Protein change: p.Leu287fs; shifts the reading frame from leucine 287.
Molecular consequence: frameshift variant.
Genome position (GRCh38, 1-based): chr10:119,672,602-119,672,606, GCCAC duplicated; duplicating any 5 consecutive bases within chr10:119,672,599-119,672,606 gives the same sequence; the c. name uses the placement nearest the transcript's 3' end. VCF-style (leftmost placement, unchanged base first): chr10-119672598-G-GCACGC. GRCh37 (hg19) VCF-style: chr10-121432110-G-GCACGC.
Other names: c.855_859dupGCCAC (NM_004281.3); short protein forms L287fs.
Identifiers: ClinVar variation 373624 (VCV000373624.10), dbSNP rs1057518511, ClinGen allele CA16042687.
Genomic context (GRCh38, chr10:119,672,598, plus strand): 5'-CCCCGTTCAGGTCATCTGTCCAGGGTGCATCGAGCCGGGAGGGCTCACCAGCCAGGAGCA[G>GCACGC]CACGCCACTCCACTCCCCCTCGCCCATCCGTGTGCACACCGTGGTCGACAGGCCTCAGGT-3'

ClinVar aggregate classification (germline): Pathogenic/Likely pathogenic. Review status: criteria provided, multiple submitters, no conflicts (2 of 4 stars). 2 submissions from 2 submitters: Pathogenic (1); Likely pathogenic (1). Last evaluated 2019-03-15.

Conditions:
Dilated cardiomyopathy 1HH (CMD1HH). Identifiers: Orphanet 154, MedGen C3151293, MONDO:0013479, OMIM 613881.
Myofibrillar myopathy 6. Identifiers: Orphanet 199340, MedGen C2751831, MONDO:0013061, OMIM 612954.

Submissions (2):

Labcorp Genetics (formerly Invitae), Labcorp
Classification: Pathogenic for Dilated cardiomyopathy 1HH; Myofibrillar myopathy 6. Last evaluated: 2019-03-15. Review status: criteria provided, single submitter. Criteria: Invitae Variant Classification Sherloc (09022015). Collection method: clinical testing. Allele origin: germline.
Comment: This sequence change results in a premature translational stop signal in the BAG3 gene (p.Leu287Argfs*22). While this is not anticipated to result in nonsense mediated decay, it is expected to disrupt the last 289 amino acids of the BAG3 protein. This variant is not present in population databases (ExAC no frequency). This variant has not been reported in the literature in individuals with BAG3-related conditions. ClinVar contains an entry for this variant (Variation ID: 373624). This variant disrupts the C-terminus of the BAG3 protein. Other variant(s) that disrupt this region (p.Arg309*) have been determined to be pathogenic (PMID: 25448463). This suggests that variants that disrupt this region of the protein are likely to be causative of disease. For these reasons, this variant has been classified as Pathogenic.

GeneDx
Classification: Likely pathogenic. Last evaluated: 2016-12-02. Review status: criteria provided, single submitter. Criteria: GeneDx Variant Classification (06012015). Collection method: clinical testing. Allele origin: germline. Affected: yes.
Comment: A novel c.855_859dupGCCAC variant that is likely pathogenic was identified in the BAG3 gene. The c.855_859dupGCCAC variant was not observed in approximately 6,500 individuals of European and African American ancestry in the NHLBI Exome Sequencing Project, indicating it is not a common benign variant in these populations. This variant causes a shift in reading frame starting at codon Leucine 287, changing it to an Arginine, and creating a premature stop codon at position 22 of the new reading frame, denoted p.Leu287ArgfsX22. This likely pathogenic variant is expected to result in a prematurely truncated protein product at the last exon of BAG3 without nonsense-mediated decay. Other frameshift variants in the BAG3 gene have been reported in HGMD in association with DCM, and most are downstream of this variant (Stenson et al., 2014). Nonetheless, in the absence of functional mRNA studies, the physiological consequence of this variant cannot be precisely determined.Therefore, this variant is likely pathogenic. In order to definitively determine its clinical significance, additional data is required.

Literature cited by the submitters: PubMed 25448463 (cited by Labcorp Genetics (formerly Invitae), Labcorp).